The following is an entry in ClinVar:

NM_013432.5(TONSL):c.1661C>T (p.Pro554Leu)

Genes: TONSL (tonsoku like, DNA repair protein; minus strand), TONSL-AS1 (TONSL antisense RNA 1; plus strand). Cytogenetic location: 8q24.3.
Variant type: single nucleotide variant.
Coding change: c.1661C>T on transcript NM_013432.5 (MANE Select); coding-DNA position 1661, C replaced by T.
Protein change: p.Pro554Leu; replaces proline 554 with leucine.
Molecular consequence: missense variant.
Genome position (GRCh38, 1-based): chr8:144,437,092, G>A on the plus strand (C>T on the coding strand, the complement: TONSL is on the minus strand). VCF-style: chr8-144437092-G-A. GRCh37 (hg19) VCF-style: chr8-145662475-G-A.
Other names: short protein forms P554L.
Identifiers: ClinVar variation 1495134 (VCV001495134.5), dbSNP rs1823497052, ClinGen allele CA372663415.

ClinVar aggregate classification (germline): Uncertain significance (1 of 4 stars; one submission).

Allele frequency attached by ClinVar (database versions not stated): TOPMed 0.00001.

Submission:

Labcorp Genetics (formerly Invitae), Labcorp
Classification: Uncertain significance. Last evaluated: 2024-04-10. Review status: criteria provided, single submitter. Criteria: Invitae Variant Classification Sherloc (09022015). Collection method: clinical testing. Allele origin: germline.
Comment: This sequence change replaces proline, which is neutral and non-polar, with leucine, which is neutral and non-polar, at codon 554 of the TONSL protein (p.Pro554Leu). This variant is not present in population databases (gnomAD no frequency). This variant has not been reported in the literature in individuals affected with TONSL-related conditions. ClinVar contains an entry for this variant (Variation ID: 1495134). Advanced modeling of protein sequence and biophysical properties (such as structural, functional, and spatial information, amino acid conservation, physicochemical variation, residue mobility, and thermodynamic stability) performed at Invitae indicates that this missense variant is expected to disrupt TONSL protein function with a positive predictive value of 80%. In summary, the available evidence is currently insufficient to determine the role of this variant in disease. Therefore, it has been classified as a Variant of Uncertain Significance.